The following is an entry in ClinVar:

ClinVar aggregate classification (germline): Benign/Likely benign. Review status: criteria provided, multiple submitters, no conflicts (2 of 4 stars). 9 submissions from 9 submitters: Benign (2); Likely benign (4). 3 of the submissions do not count toward it. Last evaluated 2026-01-09.

Conditions:
Cardiovascular phenotype. Identifiers: MedGen CN230736.
Naxos disease (NXD). Also called: CARDIOMYOPATHY, ARRHYTHMOGENIC RIGHT VENTRICULAR, WITH SKIN, HAIR, AND NAIL ABNORMALITIES; MAL DE NAXOS; PALMOPLANTAR KERATODERMA WITH ARRHYTHMOGENIC RIGHT VENTRICULAR CARDIOMYOPATHY AND WOOLLY HAIR; KERATOSIS PALMOPLANTARIS WITH ARRHYTHMOGENIC CARDIOMYOPATHY; WOOLLY HAIR, PALMOPLANTAR KERATODERMA, AND CARDIAC ABNORMALITIES. Identifiers: Orphanet 34217, MedGen C1832600, MONDO:0011017, OMIM 601214.
Arrhythmogenic right ventricular dysplasia 12. Also called: ARRHYTHMOGENIC RIGHT VENTRICULAR DYSPLASIA, FAMILIAL, 12. Identifiers: MedGen C1969081, MONDO:0012684, OMIM 611528.

Allele frequency attached by ClinVar (database versions not stated): ExAC 0.00016; gnomAD exomes 0.00016; gnomAD 0.00018 and 0.00015; TOPMed 0.00019; 1000 Genomes Project 0.00020; ESP Exome Variant Server 0.00008; 1000 Genomes Project 30x 0.00016.

Submissions (9):

Labcorp Genetics (formerly Invitae), Labcorp
Classification: Benign for Arrhythmogenic right ventricular dysplasia 12; Naxos disease. Last evaluated: 2026-01-09. Review status: criteria provided, single submitter. Criteria: Invitae Variant Classification Sherloc (09022015). Collection method: clinical testing. Allele origin: germline.

Molecular Diagnostic Laboratory for Inherited Cardiovascular Disease, Montreal Heart Institute
Classification: Likely benign. Last evaluated: 2025-04-09. Review status: criteria provided, single submitter. Criteria: ACMG Guidelines, 2015. Collection method: clinical testing. Allele origin: germline. Affected: no.

Blueprint Genetics
Classification: Likely benign. Last evaluated: 2023-07-12. Review status: criteria provided, single submitter. Criteria: ACMG Guidelines, 2015. Collection method: clinical testing. Allele origin: germline.

GeneDx
Classification: Likely benign. Last evaluated: 2021-06-14. Review status: criteria provided, single submitter. Criteria: GeneDx Variant Classification Process June 2021. Collection method: clinical testing. Allele origin: germline. Affected: yes.

Women's Health and Genetics/Laboratory Corporation of America, LabCorp
Classification: Benign. Last evaluated: 2019-10-30. Review status: criteria provided, single submitter. Criteria: LabCorp Variant Classification Summary - May 2015. Collection method: clinical testing. Allele origin: germline.
Comment: Variant summary: JUP c.426C>T alters a non-conserved nucleotide resulting in a synonymous change. 5/5 computational tools predict no significant impact on normal splicing. However, these predictions have yet to be confirmed by functional studies. The variant allele was found at a frequency of 0.00016 in 246898 control chromosomes. The observed variant frequency is approximately 6.48 fold of the estimated maximal expected allele frequency for a pathogenic variant in JUP causing Cardiomyopathy phenotype (2.5e-05), strongly suggesting that the variant is benign. To our knowledge, no occurrence of c.426C>T in individuals affected with Cardiomyopathy and no experimental evidence demonstrating its impact on protein function have been reported. One clinical diagnostic laboratory has submitted clinical-significance assessments for this variant to ClinVar after 2014 without evidence for independent evaluation. One laboratory classified the variant as benign. Based on the evidence outlined above, the variant was classified as benign.

Ambry Genetics
Classification: Likely benign for Cardiovascular phenotype. Last evaluated: 2019-02-27. Review status: criteria provided, single submitter. Criteria: Ambry Variant Classification Scheme 2023. Collection method: clinical testing. Allele origin: germline.

Clinical Genetics DNA and cytogenetics Diagnostics Lab, Erasmus MC, Erasmus Medical Center
Classification: Likely benign. Review status: no assertion criteria provided. Collection method: clinical testing. Allele origin: germline. Affected: yes. Study: VKGL Data-share Consensus. Not counted in ClinVar's aggregate classification.

Genome Diagnostics Laboratory, University Medical Center Utrecht
Classification: Likely benign. Review status: no assertion criteria provided. Collection method: clinical testing. Allele origin: germline. Affected: yes. Study: VKGL Data-share Consensus. Not counted in ClinVar's aggregate classification.

Joint Genome Diagnostic Labs from Nijmegen and Maastricht, Radboudumc and MUMC+
Classification: Likely benign. Review status: no assertion criteria provided. Collection method: clinical testing. Allele origin: germline. Affected: yes. Study: VKGL Data-share Consensus. Not counted in ClinVar's aggregate classification.

NM_002230.4(JUP):c.426C>T (p.Arg142=)

Gene: JUP (junction plakoglobin; minus strand). Cytogenetic location: 17q21.2.
Variant type: single nucleotide variant.
Coding change: c.426C>T on transcript NM_002230.4 (MANE Select); coding-DNA position 426, C replaced by T.
Protein change: p.Arg142=; no amino-acid change (arginine 142 retained).
Molecular consequence: synonymous variant.
Genome position (GRCh38, 1-based): chr17:41,769,460, G>A on the plus strand (C>T on the coding strand, the complement: JUP is on the minus strand). VCF-style: chr17-41769460-G-A. GRCh37 (hg19) VCF-style: chr17-39925712-G-A.
Other names: c.426C>T, p.Arg142= (NM_001352773.2, NM_001352774.2, NM_001352775.2 and 3 more transcripts); c.426C>T (NM_002230.3).
Identifiers: ClinVar variation 468748 (VCV000468748.23), dbSNP rs142599474, ClinGen allele CA8565500.